The following is an entry in ClinVar:

NM_001142864.4(PIEZO1):c.3302-3C>T

Gene: PIEZO1 (piezo type mechanosensitive ion channel component 1 (Er blood group); minus strand). Cytogenetic location: 16q24.3.
Variant type: single nucleotide variant.
Coding change: c.3302-3C>T on transcript NM_001142864.4 (MANE Select); 3 bases into the intron before coding-DNA position 3302, C replaced by T.
Molecular consequence: intron variant.
Genome position (GRCh38, 1-based): chr16:88,727,195, G>A on the plus strand (C>T on the coding strand, the complement: PIEZO1 is on the minus strand). VCF-style: chr16-88727195-G-A. GRCh37 (hg19) VCF-style: chr16-88793603-G-A.
Identifiers: ClinVar variation 3718427 (VCV003718427.3).
Genomic context (GRCh38, chr16:88,727,195, plus strand): 5'-CGCTCAGCTGAGAACACCTGCCACTGCTGGGAGGCGCACAGCAGCAGGAGAAAGTCGCCT[G>A]CAGGACACAGGAGCCGCCGCTGTGCCACACGGGGACCCACACGAGGTGGGCACGGCGCAT-3'

ClinVar aggregate classification (germline): Uncertain significance. Review status: criteria provided, multiple submitters, no conflicts (2 of 4 stars). 2 submissions from 2 submitters: Uncertain significance (2). Last evaluated 2024-12-09.

gnomAD v4.1: 15 of 1,535,748 alleles (0.00098%); highest among the groups gnomAD compares: Admixed American, 0.006%; no homozygotes.

Submissions (2):

Revvity Omics, Revvity
Classification: Uncertain significance. Last evaluated: 2024-12-09. Review status: criteria provided, single submitter. Criteria: ACMG Guidelines, 2015. Collection method: clinical testing. Allele origin: germline.

Labcorp Genetics (formerly Invitae), Labcorp
Classification: Uncertain significance. Last evaluated: 2024-11-16. Review status: criteria provided, single submitter. Criteria: Invitae Variant Classification Sherloc (09022015). Collection method: clinical testing. Allele origin: germline.
Comment: This sequence change falls in intron 23 of the PIEZO1 gene. It does not directly change the encoded amino acid sequence of the PIEZO1 protein. It affects a nucleotide within the consensus splice site. This variant is not present in population databases (gnomAD no frequency). This variant has not been reported in the literature in individuals affected with PIEZO1-related conditions. Variants that disrupt the consensus splice site are a relatively common cause of aberrant splicing (PMID: 17576681, 9536098). Algorithms developed to predict the effect of sequence changes on RNA splicing suggest that this variant is not likely to affect RNA splicing. In summary, the available evidence is currently insufficient to determine the role of this variant in disease. Therefore, it has been classified as a Variant of Uncertain Significance.

Literature cited by the submitters: PubMed 17576681 (cited by Labcorp Genetics (formerly Invitae), Labcorp); PubMed 9536098 (cited by Labcorp Genetics (formerly Invitae), Labcorp).